The following is an entry in ClinVar:

ClinVar aggregate classification (germline): Uncertain significance. Review status: criteria provided, multiple submitters, no conflicts (2 of 4 stars). 2 submissions from 2 submitters: Uncertain significance (2). Last evaluated 2025-03-17.

Allele frequency attached by ClinVar (database versions not stated): gnomAD 0.00001; TOPMed 0.00001; ExAC 0.00002; gnomAD exomes 0.00003.
gnomAD v4.1: 51 of 1,611,772 alleles (0.0032%); highest among the groups gnomAD compares: Non-Finnish European, 0.0039%; no homozygotes.

Submissions (2):

Women's Health and Genetics/Laboratory Corporation of America, LabCorp
Classification: Uncertain significance. Last evaluated: 2025-03-17. Review status: criteria provided, single submitter. Criteria: LabCorp Variant Classification Summary - May 2015. Collection method: clinical testing. Allele origin: germline.
Comment: Variant summary: TTN c.60596C>T (p.Pro20199Leu) results in a non-conservative amino acid change in the encoded protein sequence. Four of four in-silico tools predict a damaging effect of the variant on protein function. The variant allele was found at a frequency of 2.8e-05 in 246890 control chromosomes. The available data on variant occurrences in the general population are insufficient to allow any conclusion about variant significance. c.60596C>T has been reported in the literature in individuals affected with Hypertrophic Cardiomyopathy (Campuzano_2015, Mademont-Soler_2017, Martinez-Barrios_2022). These report(s) do not provide unequivocal conclusions about association of the variant with Cardiomyopathy. To our knowledge, no experimental evidence demonstrating an impact on protein function has been reported. The following publications have been ascertained in the context of this evaluation (PMID: 26516846, 28771489, 35207729). ClinVar contains an entry for this variant (Variation ID: 586895). Based on the evidence outlined above, the variant was classified as uncertain significance.

Athena Diagnostics
Classification: Uncertain significance. Last evaluated: 2018-03-29. Review status: criteria provided, single submitter. Criteria: Athena Diagnostics Criteria. Collection method: clinical testing. Allele origin: germline.

Literature cited by the submitters: PubMed 28771489 (cited by Women's Health and Genetics/Laboratory Corporation of America, LabCorp and Athena Diagnostics); PubMed 26516846 (cited by Women's Health and Genetics/Laboratory Corporation of America, LabCorp); PubMed 35207729 (cited by Women's Health and Genetics/Laboratory Corporation of America, LabCorp).

NM_001267550.2(TTN):c.68300C>T (p.Pro22767Leu)

Genes: TTN (titin; minus strand), TTN-AS1 (TTN antisense RNA 1; plus strand), LOC126806423 (CDK7 strongly-dependent group 2 enhancer GRCh37_chr2:179443309-179444508; plus strand). Cytogenetic location: 2q31.2.
Variant type: single nucleotide variant.
Coding change: c.68300C>T on transcript NM_001267550.2 (MANE Select); coding-DNA position 68300, C replaced by T.
Protein change: p.Pro22767Leu; replaces proline 22767 with leucine.
Molecular consequence: missense variant.
Genome position (GRCh38, 1-based): chr2:178,578,640, G>A on the plus strand (C>T on the coding strand, the complement: TTN is on the minus strand). VCF-style: chr2-178578640-G-A. GRCh37 (hg19) VCF-style: chr2-179443367-G-A.
Other names: c.68300C>T (LRG_391t1); c.63377C>T, p.Pro21126Leu (NM_001256850.1); c.41105C>T, p.Pro13702Leu (NM_003319.4); c.60596C>T, p.Pro20199Leu (NM_133378.4); c.41480C>T, p.Pro13827Leu (NM_133432.3); c.41681C>T, p.Pro13894Leu (NM_133437.4); short protein forms P22767L, P20199L, P13894L, P13702L, P13827L, P21126L.
Identifiers: ClinVar variation 586895 (VCV000586895.3), dbSNP rs775953148, ClinGen allele CA1991144.